The following is an entry in ClinVar:

ClinVar aggregate classification (germline): Likely benign. Review status: criteria provided, multiple submitters, no conflicts (2 of 4 stars). 2 submissions from 2 submitters: Likely benign (2). Last evaluated 2022-12-05.

Allele frequency attached by ClinVar (database versions not stated): TOPMed below 0.00001; gnomAD 0.00001; gnomAD exomes 0.00001; ExAC 0.00002; 1000 Genomes Project 30x 0.00016; 1000 Genomes Project 0.00020.
gnomAD v4.1: 4 of 1,614,084 alleles (0.00025%); highest among the groups gnomAD compares: Admixed American, 0.0067%; no homozygotes.

Submissions (2):

Labcorp Genetics (formerly Invitae), Labcorp
Classification: Likely benign. Last evaluated: 2022-12-05. Review status: criteria provided, single submitter. Criteria: Invitae Variant Classification Sherloc (09022015). Collection method: clinical testing. Allele origin: germline.

GeneDx
Classification: Likely benign. Last evaluated: 2018-03-12. Review status: criteria provided, single submitter. Criteria: GeneDx Variant Classification (06012015). Collection method: clinical testing. Allele origin: germline. Affected: yes.
Comment: This variant is considered likely benign or benign based on one or more of the following criteria: it is a conservative change, it occurs at a poorly conserved position in the protein, it is predicted to be benign by multiple in silico algorithms, and/or has population frequency not consistent with disease.

NM_199069.2(NDUFAF3):c.438+10G>A

Gene: NDUFAF3 (NADH:ubiquinone oxidoreductase complex assembly factor 3; plus strand). Cytogenetic location: 3p21.31.
Variant type: single nucleotide variant.
Coding change: c.438+10G>A on transcript NM_199069.2 (MANE Select); 10 bases into the intron after coding-DNA position 438, G replaced by A.
Molecular consequence: intron variant.
Genome position (GRCh38, 1-based): chr3:49,022,986, G>A. VCF-style: chr3-49022986-G-A. GRCh37 (hg19) VCF-style: chr3-49060419-G-A.
Other names: c.267+10G>A (NM_199074.2, NM_199073.2, NM_199070.2).
Identifiers: ClinVar variation 516376 (VCV000516376.4), dbSNP rs563038002, ClinGen allele CA2390309.